The following is an entry in ClinVar:

NM_000540.3(RYR1):c.7662G>A (p.Leu2554=)

Gene: RYR1 (ryanodine receptor 1; plus strand). Cytogenetic location: 19q13.2.
Variant type: single nucleotide variant.
Coding change: c.7662G>A on transcript NM_000540.3 (MANE Select); coding-DNA position 7662, G replaced by A.
Protein change: p.Leu2554=; no amino-acid change (leucine 2554 retained).
Molecular consequence: synonymous variant.
Genome position (GRCh38, 1-based): chr19:38,502,554, G>A. VCF-style: chr19-38502554-G-A. GRCh37 (hg19) VCF-style: chr19-38993194-G-A.
Other names: c.7662G>A, p.Leu2554= (NM_001042723.2).
Identifiers: ClinVar variation 3074710 (VCV003074710.1), dbSNP rs1970176018, ClinGen allele CA507243716.
Genomic context (GRCh38, chr19:38,502,554, plus strand): 5'-CCCTGCGCCCTAGGCCACTTTCAGCACCACCGAGATGGCGCTGGCGCTGAACCGCTACCT[G>A]TGCCTGGCCGTGCTGCCGCTCATCACCAAGTGTGCGCCGCTCTTTGCGGGCACAGAACAC-3'
Protein context (NP_000531.2, residues 2544-2564): TEMALALNRY[Leu2554=]CLAVLPLITK

ClinVar aggregate classification (germline): Likely benign (1 of 4 stars; one submission).

Conditions:
Malignant hyperthermia, susceptibility to, 1 (MHS1). Also called: Anesthesia related hyperthermia; Malignant hyperpyrexia; Fulminating hyperpyrexia; Pharmacogenic myopathy; RYR1-Related Malignant Hyperthermia Susceptibility; Malignant hyperthermia suceptibility 1. Identifiers: Orphanet 423, MedGen C2930980, MONDO:0007783, OMIM 145600.

Submission:

All of Us Research Program, National Institutes of Health
Classification: Likely benign for Malignant hyperthermia, susceptibility to, 1. Last evaluated: 2023-11-20. Review status: criteria provided, single submitter. Criteria: ACMG Guidelines, 2015. Collection method: clinical testing. Allele origin: germline. Inheritance: Autosomal dominant inheritance. Observed: 1 variant allele, 1 heterozygote.
Comment: This study involves interpretation of variants in research participants for the purpose of population health screening. Participant phenotype was not available at the time of variant classification. Additional details can be found in publication PMID: 35346344, PMCID: PMC8962531